The following is an entry in ClinVar:

ClinVar aggregate classification (germline): Likely pathogenic. Review status: criteria provided, multiple submitters, no conflicts (2 of 4 stars). 2 submissions from 2 submitters: Likely pathogenic (2). Last evaluated 2024-05-07.

Conditions:
Dilated cardiomyopathy 1G (CMD1G). Identifiers: Orphanet 154, MedGen C1858763, MONDO:0011400, OMIM 604145.
Autosomal recessive limb-girdle muscular dystrophy type 2J (LGMDR10). Also called: Limb-girdle muscular dystrophy, type 2J; MUSCULAR DYSTROPHY, LIMB-GIRDLE, AUTOSOMAL RECESSIVE 10. Identifiers: Orphanet 140922, MedGen C1837342, MONDO:0012127, OMIM 608807.
Cardiovascular phenotype. Identifiers: MedGen CN230736.

Submissions (2):

Labcorp Genetics (formerly Invitae), Labcorp
Classification: Likely pathogenic for Dilated cardiomyopathy 1G; Autosomal recessive limb-girdle muscular dystrophy type 2J. Last evaluated: 2024-05-07. Review status: criteria provided, single submitter. Criteria: Invitae Variant Classification Sherloc (09022015). Collection method: clinical testing. Allele origin: germline.
Comment: This sequence change creates a premature translational stop signal (p.Glu16923*) in the TTN gene. While this is not anticipated to result in nonsense mediated decay, it is expected to create a truncated TTN protein. This variant is not present in population databases (gnomAD no frequency). This variant has not been reported in the literature in individuals affected with TTN-related conditions. ClinVar contains an entry for this variant (Variation ID: 1790085). Algorithms developed to predict the effect of sequence changes on RNA splicing suggest that this variant may disrupt the consensus splice site. This variant is located in the A band of TTN (PMID: 25589632). Truncating variants in this region are significantly overrepresented in patients affected with dilated cardiomyopathy (PMID: 25589632). Truncating variants in this region have also been reported in individuals affected with autosomal recessive centronuclear myopathy (PMID: 23975875). In summary, the currently available evidence indicates that the variant is pathogenic, but additional data are needed to prove that conclusively. Therefore, this variant has been classified as Likely Pathogenic.

Ambry Genetics
Classification: Likely pathogenic for Cardiovascular phenotype. Last evaluated: 2019-04-19. Review status: criteria provided, single submitter. Criteria: Ambry Variant Classification Scheme 2023. Collection method: clinical testing. Allele origin: germline.
Comment: The p.E7858* variant (also known as c.23572G>T), located in coding exon 96 of the TTN gene, results from a G to T substitution at nucleotide position 23572. This changes the amino acid from a glutamic acid to a stop codon within coding exon 96. This exon is located in the A-band region of the N2-B isoform of the titin protein and is constitutively expressed in TTN transcripts (percent spliced in or PSI 100%). This alteration is expected to result in loss of function by premature protein truncation or nonsense-mediated mRNA decay. While truncating variants in TTN are present in 1-3% of the general population, truncating variants in the A-band are the most common cause of dilated cardiomyopathy (DCM) (Herman DS et al. N. Engl. J. Med., 2012 Feb;366:619-28; Roberts AM et al. Sci Transl Med, 2015 Jan;7:270ra6). TTN truncating variants encoded in constitutive exons (PSI >90%) have been found to be significantly associated with DCM regardless of their position in titin (Schafer S et al. Nat. Genet., 2017 01;49:46-53). As such, this alteration is classified as likely pathogenic.

Literature cited by the submitters: PubMed 25589632 (cited by Labcorp Genetics (formerly Invitae), Labcorp); PubMed 23975875 (cited by Labcorp Genetics (formerly Invitae), Labcorp).

NM_001267550.2(TTN):c.50767G>T (p.Glu16923Ter)

Genes: TTN (titin; minus strand), TTN-AS1 (TTN antisense RNA 1; plus strand). Cytogenetic location: 2q31.2.
Variant type: single nucleotide variant.
Coding change: c.50767G>T on transcript NM_001267550.2 (MANE Select); coding-DNA position 50767, G replaced by T.
Protein change: p.Glu16923Ter; replaces glutamic acid 16923 with a stop codon.
Molecular consequence: nonsense.
Genome position (GRCh38, 1-based): chr2:178,611,462, C>A on the plus strand (G>T on the coding strand, the complement: TTN is on the minus strand). VCF-style: chr2-178611462-C-A. GRCh37 (hg19) VCF-style: chr2-179476189-C-A.
Other names: c.45844G>T, p.Glu15282Ter (NM_001256850.1); c.23572G>T, p.Glu7858Ter (NM_003319.4); c.43063G>T, p.Glu14355Ter (NM_133378.4); c.23947G>T, p.Glu7983Ter (NM_133432.3); c.24148G>T, p.Glu8050Ter (NM_133437.4); short protein forms E14355*, E15282*, E7983*, E16923*, E8050*, E7858*.
Identifiers: ClinVar variation 1790085 (VCV001790085.4), dbSNP rs2470493165, ClinGen allele CA349592770.